The following is an entry in ClinVar:

NM_206933.4(USH2A):c.4108dup (p.Val1370fs)

Genes: USH2A (usherin; minus strand), USH2A-AS1 (USH2A antisense RNA 1; plus strand). Cytogenetic location: 1q41.
Variant type: Duplication.
Coding change: c.4108dup on transcript NM_206933.4 (MANE Select); coding-DNA position 4108, one base duplicated (G; older notation c.4108dupG).
Protein change: p.Val1370fs; shifts the reading frame from valine 1370.
Molecular consequence: frameshift variant.
Genome position (GRCh38, 1-based): chr1:216,196,696, C duplicated on the plus strand (G on the coding strand, the reverse complement: USH2A is on the minus strand). VCF-style (leftmost placement, unchanged base first): chr1-216196695-A-AC. GRCh37 (hg19) VCF-style: chr1-216370037-A-AC.
Other names: c.4108dupG (NM_206933.2); c.4108dup, p.Val1370fs (NM_007123.6); short protein forms V1370fs.
Identifiers: ClinVar variation 2027863 (VCV002027863.5), dbSNP rs2528035971, ClinGen allele CA2580062109.
Genomic context (GRCh38, chr1:216,196,695, plus strand): 5'-GTAACATTATCTGCTGGCTTCTCCCAGGAGATATTGAGAGAGTACGAAGAGAGGGGAAAG[A>AC]CTGAAGGAGGGATCATGAATACAGGTGCTATCAATGAGAACAATAACAATAACATCAAAA-3'

ClinVar aggregate classification (germline): Pathogenic/Likely pathogenic. Review status: criteria provided, multiple submitters, no conflicts (2 of 4 stars). 2 submissions from 2 submitters: Pathogenic (1); Likely pathogenic (1). Last evaluated 2025-04-23.

Conditions:
USH2A-related disorder. Also called: USH2A-related condition; USH2A-related disorders. Identifiers: MedGen CN239332.

Submissions (2):

PreventionGenetics, part of Exact Sciences
Classification: Likely pathogenic for USH2A-related condition. Last evaluated: 2025-04-23. Review status: criteria provided, single submitter. Criteria: ACMG Guidelines, 2015. Collection method: clinical testing. Allele origin: germline.
Comment: The USH2A c.4108dupG variant is predicted to result in a frameshift and premature protein termination (p.Val1370Glyfs*19). To our knowledge, this variant has not been reported in the literature or a large population database (gnomAD), indicating this variant is rare. Frameshift variants in USH2A are expected to be pathogenic. This variant is interpreted as likely pathogenic.

Labcorp Genetics (formerly Invitae), Labcorp
Classification: Pathogenic. Last evaluated: 2022-08-30. Review status: criteria provided, single submitter. Criteria: Invitae Variant Classification Sherloc (09022015). Collection method: clinical testing. Allele origin: germline.
Comment: This sequence change creates a premature translational stop signal (p.Val1370Glyfs*19) in the USH2A gene. It is expected to result in an absent or disrupted protein product. Loss-of-function variants in USH2A are known to be pathogenic (PMID: 10729113, 10909849, 20507924, 25649381). For these reasons, this variant has been classified as Pathogenic. Algorithms developed to predict the effect of sequence changes on RNA splicing suggest that this variant may disrupt the consensus splice site. This variant has not been reported in the literature in individuals affected with USH2A-related conditions. This variant is not present in population databases (gnomAD no frequency).

Literature cited by the submitters: PubMed 10729113 (cited by Labcorp Genetics (formerly Invitae), Labcorp); PubMed 10909849 (cited by Labcorp Genetics (formerly Invitae), Labcorp); PubMed 20507924 (cited by Labcorp Genetics (formerly Invitae), Labcorp); PubMed 25649381 (cited by Labcorp Genetics (formerly Invitae), Labcorp).